The following is an entry in ClinVar:

NM_025114.4(CEP290):c.7243A>G (p.Asn2415Asp)

Genes: CEP290 (centrosomal protein 290; minus strand), RLIG1 (RNA 5'-phosphate and 3'-OH ligase 1; plus strand). Cytogenetic location: 12q21.32.
Variant type: single nucleotide variant.
Coding change: c.7243A>G on transcript NM_025114.4 (MANE Select); coding-DNA position 7243, A replaced by G.
Protein change: p.Asn2415Asp; replaces asparagine 2415 with aspartic acid.
Molecular consequence: missense variant. On other transcripts: 3 prime UTR variant (1).
Genome position (GRCh38, 1-based): chr12:88,049,381, T>C on the plus strand (A>G on the coding strand, the complement: CEP290 is on the minus strand). VCF-style: chr12-88049381-T-C. GRCh37 (hg19) VCF-style: chr12-88443158-T-C.
Other names: c.*959T>C (NM_001009894.3); c.7243A>G (NM_025114.3); short protein forms N2415D.
Identifiers: ClinVar variation 2148094 (VCV002148094.2), dbSNP rs951324086, ClinGen allele CA241146687.
Genomic context (GRCh38, chr12:88,049,381, plus strand): 5'-CTTCTTCCTTGTAATTATACTTAAGATCTTCAATTTCTTCAAAAAATGAAGGATCAAAAT[T>C]TTCCAGTTCTTTTTTCAGCTTCTTTATTTCCTCCTAATGGAAACATTATCTTTAAAAGTT-3'
Protein context (NP_079390.3, residues 2405-2425): EIKKLKKELE[Asn2415Asp]FDPSFFEEIE

ClinVar aggregate classification (germline): Uncertain significance. Review status: criteria provided, multiple submitters, no conflicts (2 of 4 stars). 2 submissions from 2 submitters: Uncertain significance (2). Last evaluated 2026-08-03.

Conditions:
CEP290-related disorder. Also called: CEP290-related disorders; CEP290-related condition. Identifiers: MedGen CN239314.
Joubert syndrome. Also called: JOUBERT-BOLTSHAUSER SYNDROME; Familial aplasia of the vermis. Identifiers: Orphanet 475, MedGen C5979921, MONDO:0018772.
Nephronophthisis. Also called: Juvenile Nephronophthisis. Identifiers: Orphanet 655, MedGen C0687120, MONDO:0019005, HP:0000090.
Meckel-Gruber syndrome. Also called: DYSENCEPHALIA SPLANCHNOCYSTICA; GRUBER SYNDROME; Dysencephalia splachnocystica. Identifiers: Orphanet 564, MedGen C0265215, MONDO:0018921.

Allele frequency attached by ClinVar (database versions not stated): TOPMed 0.00001; gnomAD exomes 0.00002.
gnomAD v4.1: 23 of 1,538,334 alleles (0.0015%); highest among the groups gnomAD compares: Non-Finnish European, 0.002%; no homozygotes.

Submissions (2):

PreventionGenetics, part of Exact Sciences
Classification: Uncertain significance for CEP290-related condition. Last evaluated: 2026-08-03. Review status: criteria provided, single submitter. Criteria: ACMG Guidelines, 2015. Collection method: clinical testing. Allele origin: germline.
Comment: The CEP290 c.7243A>G variant is predicted to result in the amino acid substitution p.Asn2415Asp. This variant was reported in an individual with Retinitis pigmentosa (Griffith et al. 2022. PubMed ID: 36011402). This variant is reported in 0.0010% of alleles in individuals of European (Non-Finnish) descent in gnomAD. At this time, the clinical significance of this variant is uncertain due to the absence of conclusive functional and genetic evidence.

Labcorp Genetics (formerly Invitae), Labcorp
Classification: Uncertain significance for Joubert syndrome; Meckel-Gruber syndrome; Nephronophthisis. Last evaluated: 2021-12-03. Review status: criteria provided, single submitter. Criteria: Invitae Variant Classification Sherloc (09022015). Collection method: clinical testing. Allele origin: germline.
Comment: This sequence change replaces asparagine, which is neutral and polar, with aspartic acid, which is acidic and polar, at codon 2415 of the CEP290 protein (p.Asn2415Asp). The frequency data for this variant in the population databases is considered unreliable, as metrics indicate poor data quality at this position in the gnomAD database. This variant has not been reported in the literature in individuals affected with CEP290-related conditions. Algorithms developed to predict the effect of missense changes on protein structure and function are either unavailable or do not agree on the potential impact of this missense change (SIFT: "Deleterious"; PolyPhen-2: "Possibly Damaging"; Align-GVGD: "Class C0"). In summary, the available evidence is currently insufficient to determine the role of this variant in disease. Therefore, it has been classified as a Variant of Uncertain Significance.